The following is an entry in ClinVar:

ClinVar aggregate classification (germline): Uncertain significance (1 of 4 stars; one submission).

Submission:

GeneDx
Classification: Uncertain significance. Last evaluated: 2026-03-03. Review status: criteria provided, single submitter. Criteria: GeneDx Variant Classification Process June 2021. Collection method: clinical testing. Allele origin: germline.
Comment: Not observed at significant frequency in large population cohorts (gnomAD); In silico analysis supports that this missense variant has a deleterious effect on protein structure/function; Has not been previously published as pathogenic or benign to our knowledge

NM_004859.4(CLTC):c.4919T>C (p.Met1640Thr)

Gene: CLTC (clathrin heavy chain; plus strand). Cytogenetic location: 17q23.1.
Variant type: single nucleotide variant.
Coding change: c.4919T>C on transcript NM_004859.4 (MANE Select); coding-DNA position 4919, T replaced by C.
Protein change: p.Met1640Thr; replaces methionine 1640 with threonine.
Molecular consequence: missense variant.
Genome position (GRCh38, 1-based): chr17:59,693,743, T>C. VCF-style: chr17-59693743-T-C. GRCh37 (hg19) VCF-style: chr17-57771104-T-C.
Other names: c.4931T>C, p.Met1644Thr (NM_001288653.2); short protein forms M1640T, M1644T.
Identifiers: ClinVar variation 5010109 (VCV005010109.1).